The following is an entry in ClinVar:

NM_133497.4(KCNV2):c.164T>C (p.Ile55Thr)

Gene: KCNV2 (potassium voltage-gated channel modifier subfamily V member 2; plus strand). Cytogenetic location: 9p24.2.
Variant type: single nucleotide variant.
Coding change: c.164T>C on transcript NM_133497.4 (MANE Select); coding-DNA position 164, T replaced by C.
Protein change: p.Ile55Thr; replaces isoleucine 55 with threonine.
Molecular consequence: missense variant.
Genome position (GRCh38, 1-based): chr9:2,717,903, T>C. VCF-style: chr9-2717903-T-C. GRCh37 (hg19) VCF-style: chr9-2717903-T-C.
Other names: short protein forms I55T.
Identifiers: ClinVar variation 1038661 (VCV001038661.6), dbSNP rs541608166, ClinGen allele CA4965342.

ClinVar aggregate classification (germline): Uncertain significance (1 of 4 stars; one submission).

Allele frequency attached by ClinVar (database versions not stated): TOPMed 0.00005; gnomAD 0.00006 and 0.00007.
gnomAD v4.1: 28 of 1,613,930 alleles (0.0017%); highest among the groups gnomAD compares: African/African-American, 0.025%; no homozygotes.

Submission:

Labcorp Genetics (formerly Invitae), Labcorp
Classification: Uncertain significance. Last evaluated: 2023-08-04. Review status: criteria provided, single submitter. Criteria: Invitae Variant Classification Sherloc (09022015). Collection method: clinical testing. Allele origin: germline.
Comment: This sequence change replaces isoleucine, which is neutral and non-polar, with threonine, which is neutral and polar, at codon 55 of the KCNV2 protein (p.Ile55Thr). This variant is present in population databases (rs541608166, gnomAD 0.01%). This variant has not been reported in the literature in individuals affected with KCNV2-related conditions. ClinVar contains an entry for this variant (Variation ID: 1038661). Advanced modeling of protein sequence and biophysical properties (such as structural, functional, and spatial information, amino acid conservation, physicochemical variation, residue mobility, and thermodynamic stability) performed at Invitae indicates that this missense variant is not expected to disrupt KCNV2 protein function. In summary, the available evidence is currently insufficient to determine the role of this variant in disease. Therefore, it has been classified as a Variant of Uncertain Significance.